The following is an entry in ClinVar:

NM_181486.4(TBX5):c.254C>T (p.Pro85Leu)

Gene: TBX5 (T-box transcription factor 5; minus strand). Cytogenetic location: 12q24.21.
Variant type: single nucleotide variant.
Coding change: c.254C>T on transcript NM_181486.4 (MANE Select); coding-DNA position 254, C replaced by T.
Protein change: p.Pro85Leu; replaces proline 85 with leucine.
Molecular consequence: missense variant.
Genome position (GRCh38, 1-based): chr12:114,399,621, G>A on the plus strand (C>T on the coding strand, the complement: TBX5 is on the minus strand). VCF-style: chr12-114399621-G-A. GRCh37 (hg19) VCF-style: chr12-114837426-G-A.
Other names: c.254C>T, p.Pro85Leu (NM_000192.3); c.104C>T, p.Pro35Leu (NM_080717.4); short protein forms P85L, P35L.
Identifiers: ClinVar variation 633766 (VCV000633766.4), dbSNP rs1565941576, ClinGen allele CA386862897.

ClinVar aggregate classification (germline): Conflicting classifications of pathogenicity. Review status: criteria provided, conflicting classifications (1 of 4 stars). 3 submissions from 3 submitters: Likely pathogenic (1); Uncertain significance (1). 1 of the submissions does not count toward it. Last evaluated 2025-11-21.

Conditions:
Cardiovascular phenotype. Identifiers: MedGen CN230736.
Holt-Oram syndrome (HOS). Also called: TBX5-Related Holt-Oram Syndrome; Ventriculo-radial syndrome; Cardiac-limb syndrome; Heart-hand syndrome, type 1. Identifiers: Orphanet 392, MedGen C0265264, MONDO:0007732, OMIM 142900.
Aortic valve disease 2 (AOVD2). Identifiers: MedGen C3542024, MONDO:0013902, OMIM 614823.

Submissions (3):

Labcorp Genetics (formerly Invitae), Labcorp
Classification: Uncertain significance for Aortic valve disease 2. Last evaluated: 2025-11-21. Review status: criteria provided, single submitter. Criteria: Invitae Variant Classification Sherloc (09022015). Collection method: clinical testing. Allele origin: germline.
Comment: This sequence change replaces proline, which is neutral and non-polar, with leucine, which is neutral and non-polar, at codon 85 of the TBX5 protein (p.Pro85Leu). This variant is not present in population databases (gnomAD no frequency). This missense change has been observed in individuals with clinical features of Holt-Oram syndrome (PMID: 30552424; internal data). ClinVar contains an entry for this variant (Variation ID: 633766). Invitae Evidence Modeling of protein sequence and biophysical properties (such as structural, functional, and spatial information, amino acid conservation, physicochemical variation, residue mobility, and thermodynamic stability) has been performed for this missense variant. However, the output from this modeling did not meet the statistical confidence thresholds required to predict the impact of this variant on TBX5 protein function. This variant disrupts the p.Pro85 amino acid residue in TBX5. Other variant(s) that disrupt this residue have been determined to be pathogenic (PMID: 27652283). This suggests that this residue is clinically significant, and that variants that disrupt this residue are likely to be disease-causing. In summary, the available evidence is currently insufficient to determine the role of this variant in disease. Therefore, it has been classified as a Variant of Uncertain Significance.

Ambry Genetics
Classification: Likely pathogenic for Cardiovascular phenotype. Last evaluated: 2025-10-16. Review status: criteria provided, single submitter. Criteria: Ambry Variant Classification Scheme 2023. Collection method: clinical testing. Allele origin: germline.
Comment: The p.P85L variant (also known as c.254C>T), located in coding exon 3 of the TBX5 gene, results from a C to T substitution at nucleotide position 254. The proline at codon 85 is replaced by leucine, an amino acid with similar properties. This variant was reported in individual(s) with features consistent with Holt Oram syndrome (Vanlerberghe C et al. Eur J Hum Genet, 2019 Mar;27:360-368; Ambry internal data). This amino acid position is highly conserved in available vertebrate species. In addition, this alteration is predicted to be deleterious by in silico analysis. This variant is considered to be rare based on population cohorts in the Genome Aggregation Database (gnomAD). Other variant(s) at the same codon, p.P85S (c.253C>T) and p.P85T (c.253C>A), have been identified in individual(s) with features consistent with Holt Oram syndrome (Dre&szlig;en M et al. Mol Genet Genomic Med, 2016 Sep;4:557-67; Vanlerberghe C et al. Eur J Hum Genet, 2019 Mar;27:360-368). Based on the majority of available evidence to date, this variant is likely to be pathogenic.

Centre de Biologie Pathologie Génétique, Centre Hospitalier Universitaire de Lille
Classification: Uncertain significance for Holt-Oram syndrome. Last evaluated: 2018-06-14. Review status: no assertion criteria provided. Collection method: clinical testing. Allele origin: unknown. Affected: yes. Not counted in ClinVar's aggregate classification.

Literature cited by the submitters: PubMed 30552424 (cited by Labcorp Genetics (formerly Invitae), Labcorp and Ambry Genetics); PubMed 27652283 (cited by Labcorp Genetics (formerly Invitae), Labcorp and Ambry Genetics).